The following is an entry in ClinVar:

ClinVar aggregate classification (germline): Uncertain significance (1 of 4 stars; one submission).

Conditions:
Oculofaciocardiodental syndrome (MCOPS2). Identifiers: Orphanet 2712, MedGen C1846265, MONDO:0010261, OMIM 300166.

Allele frequency attached by ClinVar (database versions not stated): gnomAD exomes 0.00001; ExAC 0.00003.
gnomAD v4.1: 11 of 1,209,436 alleles (0.00091%); highest among the groups gnomAD compares: Middle Eastern, 0.023%; no homozygotes.

Submission:

Labcorp Genetics (formerly Invitae), Labcorp
Classification: Uncertain significance for Oculofaciocardiodental syndrome. Last evaluated: 2022-02-18. Review status: criteria provided, single submitter. Criteria: Invitae Variant Classification Sherloc (09022015). Collection method: clinical testing. Allele origin: germline.
Comment: Algorithms developed to predict the effect of missense changes on protein structure and function are either unavailable or do not agree on the potential impact of this missense change (SIFT: "Deleterious"; PolyPhen-2: "Benign"; Align-GVGD: "Class C25"). In summary, the available evidence is currently insufficient to determine the role of this variant in disease. Therefore, it has been classified as a Variant of Uncertain Significance. This variant has not been reported in the literature in individuals affected with BCOR-related conditions. The frequency data for this variant in the population databases is considered unreliable, as metrics indicate poor data quality at this position in the gnomAD database. This sequence change replaces arginine, which is basic and polar, with histidine, which is basic and polar, at codon 1387 of the BCOR protein (p.Arg1387His).

NM_001123385.2(BCOR):c.4262G>A (p.Arg1421His)

Gene: BCOR (BCL6 corepressor; minus strand). Cytogenetic location: Xp11.4.
Variant type: single nucleotide variant.
Coding change: c.4262G>A on transcript NM_001123385.2 (MANE Select); coding-DNA position 4262, G replaced by A.
Protein change: p.Arg1421His; replaces arginine 1421 with histidine.
Molecular consequence: missense variant.
Genome position (GRCh38, 1-based): chrX:40,062,305, C>T on the plus strand (G>A on the coding strand, the complement: BCOR is on the minus strand). VCF-style: chrX-40062305-C-T. GRCh37 (hg19) VCF-style: chrX-39921558-C-T.
Other names: c.4160G>A, p.Arg1387His (NM_017745.6, NM_001123383.2); c.4106G>A, p.Arg1369His (NM_001123384.2); short protein forms R1387H, R1369H, R1421H.
Identifiers: ClinVar variation 2178602 (VCV002178602.4), dbSNP rs779671180, ClinGen allele CA10386472.